The following is an entry in ClinVar:

ClinVar aggregate classification (germline): Uncertain significance (1 of 4 stars; one submission).

Conditions:
GRN-related frontotemporal lobar degeneration with Tdp43 inclusions (FTD2). Also called: DEMENTIA, HEREDITARY DYSPHASIC DISINHIBITION; FRONTOTEMPORAL LOBAR DEGENERATION WITH UBIQUITIN-POSITIVE INCLUSIONS; FTLD-TDP, GRN-RELATED; GRN Frontotemporal Dementia; FRONTOTEMPORAL DEMENTIA WITH TDP43 INCLUSIONS, GRN-RELATED. Identifiers: Orphanet 100070, Orphanet 282, MedGen C1843792, MONDO:0011842, OMIM 607485. Disease mechanism: loss of function.
Neuronal ceroid lipofuscinosis 11. Also called: GRN-Related Neuronal Ceroid-Lipofuscinosis. Identifiers: Orphanet 314629, Orphanet 79262, MedGen C3539123, MONDO:0013866, OMIM 614706.

Allele frequency attached by ClinVar (database versions not stated): gnomAD 0.00001; TOPMed 0.00002.
gnomAD v4.1: 111 of 1,613,660 alleles (0.0069%); highest among the groups gnomAD compares: Middle Eastern, 0.12%; 1 homozygote.

Submission:

Labcorp Genetics (formerly Invitae), Labcorp
Classification: Uncertain significance for Neuronal ceroid lipofuscinosis 11; GRN-related frontotemporal lobar degeneration with Tdp43 inclusions. Last evaluated: 2025-12-09. Review status: criteria provided, single submitter. Criteria: Invitae Variant Classification Sherloc (09022015). Collection method: clinical testing. Allele origin: germline.
Comment: This sequence change replaces arginine, which is basic and polar, with glutamine, which is neutral and polar, at codon 535 of the GRN protein (p.Arg535Gln). This variant is present in population databases (rs753857985, gnomAD 0.03%). This variant has not been reported in the literature in individuals affected with GRN-related conditions. ClinVar contains an entry for this variant (Variation ID: 1398535). Invitae Evidence Modeling of protein sequence and biophysical properties (such as structural, functional, and spatial information, amino acid conservation, physicochemical variation, residue mobility, and thermodynamic stability) indicates that this missense variant is not expected to disrupt GRN protein function with a negative predictive value of 80%. In summary, the available evidence is currently insufficient to determine the role of this variant in disease. Therefore, it has been classified as a Variant of Uncertain Significance.

NM_002087.4(GRN):c.1604G>A (p.Arg535Gln)

Gene: GRN (granulin precursor; plus strand). Cytogenetic location: 17q21.31.
Variant type: single nucleotide variant.
Coding change: c.1604G>A on transcript NM_002087.4 (MANE Select); coding-DNA position 1604, G replaced by A.
Protein change: p.Arg535Gln; replaces arginine 535 with glutamine.
Molecular consequence: missense variant.
Genome position (GRCh38, 1-based): chr17:44,352,531, G>A. VCF-style: chr17-44352531-G-A. GRCh37 (hg19) VCF-style: chr17-42429899-G-A.
Other names: short protein forms R535Q.
Identifiers: ClinVar variation 1398535 (VCV001398535.6), dbSNP rs753857985, ClinGen allele CA8602243.
Genomic context (GRCh38, chr17:44,352,531, plus strand): 5'-GTGTGAAGGACGTGGAGTGTGGGGAAGGACACTTCTGCCATGATAACCAGACCTGCTGCC[G>A]AGACAACCGACAGGGCTGGGCCTGCTGTCCCTACCGCCAGGTCAGTGCCAACCCCCATCC-3'
Protein context (NP_002078.1, residues 525-545): HFCHDNQTCC[Arg535Gln]DNRQGWACCP